The following is an entry in ClinVar:

NM_000334.4(SCN4A):c.2699C>G (p.Ala900Gly)

Genes: GH-LCR (growth hormone locus control region; plus strand), SCN4A (sodium voltage-gated channel alpha subunit 4; minus strand). Cytogenetic location: 17q23.3.
Variant type: single nucleotide variant.
Coding change: c.2699C>G on transcript NM_000334.4 (MANE Select); coding-DNA position 2699, C replaced by G.
Protein change: p.Ala900Gly; replaces alanine 900 with glycine.
Molecular consequence: missense variant.
Genome position (GRCh38, 1-based): chr17:63,951,578, G>C on the plus strand (C>G on the coding strand, the complement: SCN4A is on the minus strand). VCF-style: chr17-63951578-G-C. GRCh37 (hg19) VCF-style: chr17-62028938-G-C.
Other names: short protein forms A900G.
Identifiers: ClinVar variation 1412299 (VCV001412299.8), dbSNP rs2144786776, ClinGen allele CA400625637.

ClinVar aggregate classification (germline): Uncertain significance (1 of 4 stars; one submission).

Conditions:
Hyperkalemic periodic paralysis. Also called: Familial hyperkalemic periodic paralysis; Gamstorp disease. Identifiers: Orphanet 682, MedGen C0238357, MONDO:0008224, OMIM 170500, HP:0007215.

Allele frequency attached by ClinVar (database versions not stated): gnomAD exomes below 0.00001.
gnomAD v4.1: 2 of 1,613,988 alleles (0.00012%); highest among the groups gnomAD compares: South Asian, 0.0022%; no homozygotes.

Submission:

Labcorp Genetics (formerly Invitae), Labcorp
Classification: Uncertain significance for Hyperkalemic periodic paralysis. Last evaluated: 2025-08-10. Review status: criteria provided, single submitter. Criteria: Invitae Variant Classification Sherloc (09022015). Collection method: clinical testing. Allele origin: germline.
Comment: This sequence change replaces alanine, which is neutral and non-polar, with glycine, which is neutral and non-polar, at codon 900 of the SCN4A protein (p.Ala900Gly). This variant is not present in population databases (gnomAD no frequency). This variant has not been reported in the literature in individuals affected with SCN4A-related conditions. ClinVar contains an entry for this variant (Variation ID: 1412299). Invitae Evidence Modeling of protein sequence and biophysical properties (such as structural, functional, and spatial information, amino acid conservation, physicochemical variation, residue mobility, and thermodynamic stability) indicates that this missense variant is not expected to disrupt SCN4A protein function with a negative predictive value of 95%. In summary, the available evidence is currently insufficient to determine the role of this variant in disease. Therefore, it has been classified as a Variant of Uncertain Significance.